The following is an entry in ClinVar:

ClinVar aggregate classification (germline): Uncertain significance (1 of 4 stars; one submission).

Submission:

Labcorp Genetics (formerly Invitae), Labcorp
Classification: Uncertain significance. Last evaluated: 2024-06-12. Review status: criteria provided, single submitter. Criteria: Invitae Variant Classification Sherloc (09022015). Collection method: clinical testing. Allele origin: germline.
Comment: This sequence change affects codon 187 of the GPR45 mRNA. It is a 'silent' change, meaning that it does not change the encoded amino acid sequence of the GPR45 protein. This variant is not present in population databases (gnomAD no frequency). This variant has not been reported in the literature in individuals affected with GPR45-related conditions. Experimental studies and prediction algorithms are not available or were not evaluated, and the effect of this variant on mRNA splicing is currently unknown. In summary, the available evidence is currently insufficient to determine the role of this variant in disease. Therefore, it has been classified as a Variant of Uncertain Significance.

NM_007227.3(GPR45):c.561G>T (p.Thr187=)

Gene: GPR45 (G protein-coupled receptor 45; plus strand). Cytogenetic location: 2q12.1.
Variant type: single nucleotide variant.
Coding change: c.561G>T on transcript NM_007227.3 (MANE Select); coding-DNA position 561, G replaced by T.
Protein change: p.Thr187=; no amino-acid change (threonine 187 retained).
Molecular consequence: synonymous variant.
Genome position (GRCh38, 1-based): chr2:105,242,419, G>T. VCF-style: chr2-105242419-G-T. GRCh37 (hg19) VCF-style: chr2-105858876-G-T.
Identifiers: ClinVar variation 3680375 (VCV003680375.2).
Genomic context (GRCh38, chr2:105,242,419, plus strand): 5'-CACGGGCTGGACGCTGGTGGAGGTGCCGGCGCGGGCCCCACAGTGCGTGCTGGGCTACAC[G>T]GAGCTCCCCGCTGACCGCGCCTACGTGGTCACCTTGGTGGTGGCCGTGTTCTTCGCGCCC-3'
Protein context (NP_009158.3, residues 177-197): ARAPQCVLGY[Thr187=]ELPADRAYVV